The following is an entry in ClinVar:

NM_001101.5(ACTB):c.617G>A (p.Arg206Gln)

Gene: ACTB (actin beta; minus strand). Cytogenetic location: 7p22.1.
Variant type: single nucleotide variant.
Coding change: c.617G>A on transcript NM_001101.5 (MANE Select); coding-DNA position 617, G replaced by A.
Protein change: p.Arg206Gln; replaces arginine 206 with glutamine.
Molecular consequence: missense variant.
Genome position (GRCh38, 1-based): chr7:5,528,466, C>T on the plus strand (G>A on the coding strand, the complement: ACTB is on the minus strand). VCF-style: chr7-5528466-C-T. GRCh37 (hg19) VCF-style: chr7-5568097-C-T.
Other names: c.617G>A (LRG_132t1); short protein forms R206Q.
Identifiers: ClinVar variation 265318 (VCV000265318.33), dbSNP rs886039472, ClinGen allele CA10588429.

ClinVar aggregate classification (germline): Pathogenic/Likely pathogenic. Review status: criteria provided, multiple submitters, no conflicts (2 of 4 stars). 11 submissions from 11 submitters: Pathogenic (9); Likely pathogenic (2). Last evaluated 2025-08-18.

Conditions:
Inborn genetic diseases. Identifiers: MedGen C0950123, MeSH D030342.
Baraitser-Winter syndrome 1 (BRWS1). Also called: PACHYGYRIA, MENTAL RETARDATION, EPILEPSY, AND CHARACTERISTIC FACIES; MENTAL RETARDATION WITH EPILEPSY AND CHARACTERISTIC FACIES; Cerebrofrontofacial syndrome; BARAITSER-WINTER SYNDROME 1, ATYPICAL. Identifiers: Orphanet 2649, Orphanet 2995, MedGen C1855722, MONDO:0009470, OMIM 243310.

Submissions (11):

Victorian Clinical Genetics Services, Murdoch Childrens Research Institute
Classification: Pathogenic for Baraitser-Winter syndrome 1. Last evaluated: 2025-08-18. Review status: criteria provided, single submitter. Criteria: ACMG Guidelines, 2015. Collection method: clinical testing. Allele origin: germline. Affected: yes.
Comment: This variant is classified as Pathogenic. Evidence in support of pathogenic classification: Variant is absent from gnomAD (v2, v3 and v4); This variant has strong previous evidence of pathogenicity in unrelated individuals. This variant has been classified as pathogenic and likely pathogenic by multiple clinical laboratories in ClinVar. - Missense variant predicted to be damaging by in silico tool(s) or highly conserved with a major amino acid change; Additional information: Variant is predicted to result in a missense amino acid change from Arg to Gln; This variant is heterozygous; This gene is associated with autosomal dominant disease; Variant is located in the annotated actin domain (DECIPHER); Loss of function is a known mechanism of disease in this gene and is associated with thrombocytopenia 8, with dysmorphic features and developmental delay (MIM#620475). Gain of function, dominant negative and loss of function are suggested mechanisms for variants associated with Baraitser-Winter syndrome (MIM#243310; PMID: 29220674). The mechanism of dystonia-deafness syndrome 1 (MIM#607371) caused by the recurring p.(Arg183Trp) variant is unclear; however, gain of function has been suggested (PMID: 25255767); Variants in this gene are known to have variable expressivity. High clinical variability has been observed between individuals with Baraitser-Winter syndrome who harbour the same variant (PMID: 26583190, 30315159).

Ambry Genetics
Classification: Pathogenic for Inborn genetic diseases. Last evaluated: 2025-04-11. Review status: criteria provided, single submitter. Criteria: Ambry Variant Classification Scheme 2023. Collection method: clinical testing. Allele origin: germline.
Comment: The c.617G>A (p.R206Q) alteration is located in exon 4 (coding exon 3) of the ACTB gene. This alteration results from a G to A substitution at nucleotide position 617, causing the arginine (R) at amino acid position 206 to be replaced by a glutamine (Q). This variant was not reported in population-based cohorts in the Genome Aggregation Database (gnomAD). This variant was determined to be de novo or the result of germline mosaicism in at least one individual with features consistent with ACTB-related Baraitser-Winter syndrome (Hampshire, 2020; Taneyhill, 2016; Ambry internal data). This amino acid position is highly conserved in available vertebrate species. This alteration is predicted to be deleterious by in silico analysis. Based on the available evidence, this alteration is classified as pathogenic.

Labcorp Genetics (formerly Invitae), Labcorp
Classification: Pathogenic for Baraitser-Winter syndrome 1. Last evaluated: 2024-10-28. Review status: criteria provided, single submitter. Criteria: Invitae Variant Classification Sherloc (09022015). Collection method: clinical testing. Allele origin: germline.
Comment: This sequence change replaces arginine, which is basic and polar, with glutamine, which is neutral and polar, at codon 206 of the ACTB protein (p.Arg206Gln). This variant is not present in population databases (gnomAD no frequency). This missense change has been observed in individual(s) with clinical features of Baraitser-Winter syndrome and in a fetus with cardiac malformations (PMID: 29261186; internal data). In at least one individual the variant was observed to be de novo. ClinVar contains an entry for this variant (Variation ID: 265318). Invitae Evidence Modeling of protein sequence and biophysical properties (such as structural, functional, and spatial information, amino acid conservation, physicochemical variation, residue mobility, and thermodynamic stability) indicates that this missense variant is not expected to disrupt ACTB protein function with a negative predictive value of 80%. This variant disrupts the p.Arg206 amino acid residue in ACTB. Other variant(s) that disrupt this residue have been determined to be pathogenic (internal data). This suggests that this residue is clinically significant, and that variants that disrupt this residue are likely to be disease-causing. For these reasons, this variant has been classified as Pathogenic.

3billion
Classification: Pathogenic for Baraitser-Winter syndrome 1. Last evaluated: 2024-06-21. Review status: criteria provided, single submitter. Criteria: ACMG Guidelines, 2015. Collection method: clinical testing. Allele origin: germline. Affected: yes.
Comment: The variant is not observed in the gnomAD v4.0.0 dataset. Predicted Consequence/Location: The variant is located in a mutational hot spot and/or well-established functional domain in which established pathogenic variants have been reported. Missense changes are a common disease-causing mechanism. In silico tool predictions suggest damaging effect of the variant on gene or gene product [REVEL: 0.83 (>=0.6, sensitivity 0.68 and specificity 0.92); 3Cnet: 0.90 (>=0.6, sensitivity 0.72 and precision 0.9)]. The same nucleotide change resulting in the same amino acid change has been previously reported as pathogenic/likely pathogenic with strong evidence (ClinVar ID: VCV000265318 /PMID: 29261186). The variant has been previously reported as de novo in a similarly affected individual. Different missense changes at the same codon (p.Arg206Gly, p.Arg206Trp) have been reported as pathogenic/likely pathogenic with strong evidence (ClinVar ID: VCV000372914, VCV000860924 /PMID: 35792504). Therefore, this variant is classified as Pathogenic according to the recommendation of ACMG/AMP guideline.

GeneDx
Classification: Pathogenic. Last evaluated: 2023-08-30. Review status: criteria provided, single submitter. Criteria: GeneDx Variant Classification Process June 2021. Collection method: clinical testing. Allele origin: germline. Affected: yes.
Comment: Not observed in large population cohorts (gnomAD); Missense variants in this gene are often considered pathogenic (HGMD); In silico analysis, which includes protein predictors and evolutionary conservation, supports a deleterious effect; This variant is associated with the following publications: (PMID: 29261186, 32506774)

Mendelics
Classification: Pathogenic for Baraitser-Winter syndrome 1. Last evaluated: 2023-03-11. Review status: criteria provided, single submitter. Criteria: Mendelics Assertion Criteria 2017. Collection method: clinical testing. Allele origin: unknown.

Revvity Omics, Revvity
Classification: Pathogenic. Last evaluated: 2022-04-08. Review status: criteria provided, single submitter. Criteria: ACMG Guidelines, 2015. Collection method: clinical testing. Allele origin: germline.

Genetics Laboratory, UDIAT-Centre Diagnòstic, Hospital Universitari Parc Tauli
Classification: Likely pathogenic. Last evaluated: 2021-04-26. Review status: criteria provided, single submitter. Criteria: Parc Tauli Hospital Assertion Criteria 2021. Collection method: clinical testing. Allele origin: de novo. Inheritance: Autosomal dominant inheritance. Affected: yes. Observed: 1 heterozygote.
Comment: PM1_moderate;PM2_supporting;PM5_moderate;PM6_moderate;PP2_supporting;PP3_supporting

New York Genome Center
Classification: Likely pathogenic for Baraitser-Winter syndrome 1. Last evaluated: 2021-03-19. Review status: criteria provided, single submitter. Criteria: NYGC Assertion Criteria 2020. Collection method: clinical testing. Allele origin: germline. Observed: 1 heterozygote. Study: CSER-NYCKidSeq.
Comment: This variant clusters with several other variants that have been associated with Baraitser–Winter syndrome [PMID: 25052316]. This variant is absent in the gnomAD v3 database, indicating this is a rare allele. The substitution occurs at a position that is conserved across species and in silico tools provide conflicting evidence of pathogenicity. Algorithms developed to predict the effect of sequence changes on RNA splicing suggest that this variant may create or strengthen a splice site, but this prediction has not been confirmed by published transcriptional studies. ClinVar reported (ID#265318) this variant as conflicting interpretations of pathogenicity (pathogenic, likely pathogenic, and variant of uncertain significance) and also reported (ID#860924) a different amino acid substitution at the same codon (p.Arg206Trp) as pathogenic for Baraitser-Winter syndrome. Based on the available evidence, the missense variant c.617G>A, p.Arg206Gln in the ACTB gene is classified as likely pathogenic.

Bicknell laboratory, University of Otago
Classification: Pathogenic for Baraitser-Winter syndrome 1. Review status: criteria provided, single submitter. Criteria: ACMG Guidelines, 2015. Collection method: research. Allele origin: de novo. Affected: yes.

Juno Genomics, Hangzhou Juno Genomics, Inc
Classification: Pathogenic for Baraitser-Winter syndrome 1. Review status: criteria provided, single submitter. Criteria: ACMG Guidelines, 2015. Collection method: clinical testing. Allele origin: germline. Affected: yes.
Comment: Absent from controls (or at extremely low frequency if recessive) in Genome Aggregation Database, Exome Sequencing Project, 1000 Genomes Project, or Exome Aggregation Consortium.;Multiple lines of computational evidence support a deleterious effect on the gene or gene product (conservation, evolutionary, splicing impact, etc).;Missense variant in a gene that has a low rate of benign missense variation and where missense variants are a common mechanism of disease.;The prevalence of the variant in affected individuals is significantly increased compared to the prevalence in controls.;De novo (both maternity and paternity confirmed) in a patient with the disease and no family history.;Patient's phenotype or family history is highly specific for a disease with a single genetic etiology.

Literature cited by the submitters: PubMed 30315159 (cited by Victorian Clinical Genetics Services, Murdoch Childrens Research Institute); PubMed 26583190 (cited by Victorian Clinical Genetics Services, Murdoch Childrens Research Institute); PubMed 25255767 (cited by Victorian Clinical Genetics Services, Murdoch Childrens Research Institute); PubMed 29220674 (cited by Victorian Clinical Genetics Services, Murdoch Childrens Research Institute); PubMed 27102868 (cited by Ambry Genetics); PubMed 32506774 (cited by Ambry Genetics); PubMed 29261186 (cited by Labcorp Genetics (formerly Invitae), Labcorp and 3billion); PubMed 35792504 (cited by 3billion).